The following is an entry in ClinVar:

NM_001365276.2(TNXB):c.9937C>T (p.Arg3313Ter)

Gene: TNXB (tenascin XB; minus strand). Cytogenetic location: 6p21.33.
Variant type: single nucleotide variant.
Coding change: c.9937C>T on transcript NM_001365276.2 (MANE Select); coding-DNA position 9937, C replaced by T.
Protein change: p.Arg3313Ter; replaces arginine 3313 with a stop codon.
Molecular consequence: nonsense.
Genome position (GRCh38, 1-based): chr6:32,048,471, G>A on the plus strand (C>T on the coding strand, the complement: TNXB is on the minus strand). VCF-style: chr6-32048471-G-A. GRCh37 (hg19) VCF-style: chr6-32016248-G-A.
Other names: c.10678C>T, p.Arg3560Ter (NM_001428335.1); c.9931C>T, p.Arg3311Ter (NM_019105.8); short protein forms R3311*, R3313*, R3560*.
Identifiers: ClinVar variation 3234290 (VCV003234290.21), dbSNP rs2483415527, ClinGen allele CA363533884.

ClinVar aggregate classification (germline): Pathogenic. Review status: criteria provided, multiple submitters, no conflicts (2 of 4 stars). 2 submissions from 2 submitters: Pathogenic (2). Last evaluated 2024-08-05.

Conditions:
Ehlers-Danlos syndrome due to tenascin-X deficiency (EDSCLL1). Also called: EDS DUE TO TNX DEFICIENCY; TNX DEFICIENCY; EHLERS-DANLOS SYNDROME, CLASSIC-LIKE; Ehlers-Danlos syndrome, classic-like, 1; TNXB-Related Classical-Like Ehlers-Danlos Syndrome. Identifiers: Orphanet 230839, MedGen C1848029, MONDO:0011670, OMIM 606408.

Allele frequency attached by ClinVar (database versions not stated): gnomAD exomes below 0.00001.
gnomAD v4.1: 3 of 1,599,492 alleles (0.00019%); highest among the groups gnomAD compares: East Asian, 0.0022%; no homozygotes.

Submissions (2):

Myriad Genetics, Inc.
Classification: Pathogenic for Ehlers-Danlos syndrome due to tenascin-X deficiency. Last evaluated: 2024-08-05. Review status: criteria provided, single submitter. Criteria: Myriad Autosomal Dominant, Autosomal Recessive and X-Linked Classification Criteria (2023). Collection method: clinical testing. Allele origin: unknown.
Comment: NM_019105.6(TNXB):c.9931C>T(R3311*) is expected to be pathogenic in the context of classical-like Ehlers-Danlos syndrome, TNXB-related. This variant is predicted to lead to an abnormal or absent protein product due to the creation of a premature termination codon in TNXB, a gene where loss-of-function variants are known to be pathogenic. Please note: this variant was assessed in the context of healthy population screening.

CeGaT Center for Human Genetics Tuebingen
Classification: Pathogenic. Last evaluated: 2024-04-01. Review status: criteria provided, single submitter. Criteria: CeGaT Center For Human Genetics Tuebingen Variant Classification Criteria Version 2. Collection method: clinical testing. Allele origin: germline. Affected: yes. Observed: 1 variant allele.
Comment: TNXB: PVS1, PM2